The following is an entry in ClinVar:

ClinVar aggregate classification (germline): Uncertain significance (1 of 4 stars; one submission).

Conditions:
Cardiomyopathy (CMYO). Also called: Cardiomyopathies. Identifiers: Orphanet 167848, MedGen C0878544, MONDO:0004994, HP:0001638. Inheritance: Various modes of inheritance.

Submission:

Color Diagnostics, LLC DBA Color Health
Classification: Uncertain significance for Cardiomyopathy. Last evaluated: 2025-05-20. Review status: criteria provided, single submitter. Criteria: ACMG Guidelines, 2015. Collection method: clinical testing. Allele origin: germline.
Comment: This variant results in a single nucleotide substitution at -1 position in intron 24 of the DSC2 gene. To our knowledge, functional studies have not been reported for this variant. This variant has not been reported in individuals affected with DSC2-related disorders in the literature. This variant has not been identified in the general population by the Genome Aggregation Database (gnomAD). The available evidence is insufficient to determine the role of this variant in disease conclusively. Therefore, this variant is classified as a Variant of Uncertain Significance.

NM_024422.6(DSC2):c.2251-1G>C

Gene: DSC2 (desmocollin 2; minus strand). Cytogenetic location: 18q12.1.
Variant type: single nucleotide variant.
Coding change: c.2251-1G>C on transcript NM_024422.6 (MANE Select); the canonical splice acceptor site of the intron before coding-DNA position 2251, G replaced by C.
Molecular consequence: splice acceptor variant.
Genome position (GRCh38, 1-based): chr18:31,069,152, C>G on the plus strand (G>C on the coding strand, the complement: DSC2 is on the minus strand). VCF-style: chr18-31069152-C-G. GRCh37 (hg19) VCF-style: chr18-28649118-C-G.
Other names: c.2251-1G>C (NM_004949.5); c.1822-1G>C (NM_001406506.1, NM_001406507.1).
Identifiers: ClinVar variation 4756711 (VCV004756711.1).
Genomic context (GRCh38, chr18:31,069,152, plus strand): 5'-GCCACAAACTCCCTGAGCAGAAGCGCCCACAGTTTGGGTTGTGAAGCCATTCGCAGAATA[C>G]TGAAATGAAAACAATTTGCATTAGGGATAATACAGAGAGGAACACAAAATTATGAAAAAG-3'